The following is an entry in ClinVar:

ClinVar aggregate classification (germline): Uncertain significance (1 of 4 stars; one submission).

Allele frequency attached by ClinVar (database versions not stated): gnomAD exomes below 0.00001.
gnomAD v4.1: 2 of 1,614,176 alleles (0.00012%); highest among the groups gnomAD compares: East Asian, 0.0045%; no homozygotes.

Submission:

Labcorp Genetics (formerly Invitae), Labcorp
Classification: Uncertain significance. Last evaluated: 2024-12-16. Review status: criteria provided, single submitter. Criteria: Invitae Variant Classification Sherloc (09022015). Collection method: clinical testing. Allele origin: germline.
Comment: This sequence change replaces glycine, which is neutral and non-polar, with arginine, which is basic and polar, at codon 129 of the PDE6C protein (p.Gly129Arg). This variant is present in population databases (no rsID available, gnomAD 0.01%). This variant has not been reported in the literature in individuals affected with PDE6C-related conditions. ClinVar contains an entry for this variant (Variation ID: 2029402). Invitae Evidence Modeling of protein sequence and biophysical properties (such as structural, functional, and spatial information, amino acid conservation, physicochemical variation, residue mobility, and thermodynamic stability) indicates that this missense variant is not expected to disrupt PDE6C protein function with a negative predictive value of 95%. In summary, the available evidence is currently insufficient to determine the role of this variant in disease. Therefore, it has been classified as a Variant of Uncertain Significance.

NM_006204.4(PDE6C):c.385G>C (p.Gly129Arg)

Gene: PDE6C (phosphodiesterase 6C; plus strand). Cytogenetic location: 10q23.33.
Variant type: single nucleotide variant.
Coding change: c.385G>C on transcript NM_006204.4 (MANE Select); coding-DNA position 385, G replaced by C.
Protein change: p.Gly129Arg; replaces glycine 129 with arginine.
Molecular consequence: missense variant.
Genome position (GRCh38, 1-based): chr10:93,613,110, G>C. VCF-style: chr10-93613110-G-C. GRCh37 (hg19) VCF-style: chr10-95372867-G-C.
Other names: short protein forms G129R.
Identifiers: ClinVar variation 2029402 (VCV002029402.4), dbSNP rs1237833534, ClinGen allele CA377622734.